The following is an entry in ClinVar:

NM_001134831.2(AHI1):c.2836C>T (p.Gln946Ter)

Gene: AHI1 (Abelson helper integration site 1; minus strand). Cytogenetic location: 6q23.3.
Variant type: single nucleotide variant.
Coding change: c.2836C>T on transcript NM_001134831.2 (MANE Select); coding-DNA position 2836, C replaced by T.
Protein change: p.Gln946Ter; replaces glutamine 946 with a stop codon.
Molecular consequence: nonsense.
Genome position (GRCh38, 1-based): chr6:135,411,473, G>A on the plus strand (C>T on the coding strand, the complement: AHI1 is on the minus strand). VCF-style: chr6-135411473-G-A. GRCh37 (hg19) VCF-style: chr6-135732611-G-A.
Other names: c.2836C>T, p.Gln946Ter (NM_001134830.2, NM_001134832.2, NM_001350503.2 and 2 more transcripts); short protein forms Q946*.
Identifiers: ClinVar variation 5014652 (VCV005014652.1).

ClinVar aggregate classification (germline): Pathogenic (1 of 4 stars; one submission).

Conditions:
Joubert syndrome 3 (JBTS3). Also called: AHI1-related Ciliopathy. Identifiers: Orphanet 220493, MedGen C1837713, MONDO:0012078, OMIM 608629.

gnomAD v4.1: 1 of 1,613,206 alleles (0.000062%); highest among the groups gnomAD compares: Admixed American, 0.0017%; no homozygotes.

Submission:

Myriad Genetics, Inc.
Classification: Pathogenic for Joubert syndrome 3. Last evaluated: 2025-06-27. Review status: criteria provided, single submitter. Criteria: Myriad Autosomal Dominant, Autosomal Recessive and X-Linked Classification Criteria (2023). Collection method: clinical testing. Allele origin: unknown.
Comment: NM_001134831.1(AHI1):c.2836C>T(Q946*) is expected to be pathogenic in the context of Joubert syndrome, AHI1-related. This variant is predicted to lead to an abnormal or absent protein product due to the creation of a premature termination codon in AHI1, a gene where loss-of-function variants are known to be pathogenic. Please note: this variant was assessed in the context of healthy population screening.